The following is an entry in ClinVar:

NM_005475.3(SH2B3):c.1059G>C (p.Gln353His)

Gene: SH2B3 (SH2B adaptor protein 3; plus strand). Cytogenetic location: 12q24.12.
Variant type: single nucleotide variant.
Coding change: c.1059G>C on transcript NM_005475.3 (MANE Select); coding-DNA position 1059, G replaced by C.
Protein change: p.Gln353His; replaces glutamine 353 with histidine.
Molecular consequence: missense variant.
Genome position (GRCh38, 1-based): chr12:111,447,367, G>C. VCF-style: chr12-111447367-G-C. GRCh37 (hg19) VCF-style: chr12-111885171-G-C.
Other names: c.453G>C, p.Gln151His (NM_001291424.1); short protein forms Q353H, Q151H.
Identifiers: ClinVar variation 3795233 (VCV003795233.1).

ClinVar aggregate classification (germline): Uncertain significance (1 of 4 stars; one submission).

Conditions:
Inborn genetic diseases. Identifiers: MedGen C0950123, MeSH D030342.

Submission:

Ambry Genetics
Classification: Uncertain significance for Inborn genetic diseases. Last evaluated: 2025-03-04. Review status: criteria provided, single submitter. Criteria: Ambry Variant Classification Scheme 2023. Collection method: clinical testing. Allele origin: germline.
Comment: The p.Q353H variant (also known as c.1059G>C), located in coding exon 5 of the SH2B3 gene, results from a G to C substitution at nucleotide position 1059. The glutamine at codon 353 is replaced by histidine, an amino acid with highly similar properties. This amino acid position is conserved. In addition, this alteration is predicted to be tolerated by in silico analysis. Based on the available evidence, the clinical significance of this variant remains unclear.